The following is an entry in ClinVar:

ClinVar aggregate classification (germline): Uncertain significance (1 of 4 stars; one submission).

Allele frequency attached by ClinVar (database versions not stated): gnomAD exomes below 0.00001.
gnomAD v4.1: 4 of 1,614,040 alleles (0.00025%); highest among the groups gnomAD compares: South Asian, 0.0011%; no homozygotes.

Submission:

Labcorp Genetics (formerly Invitae), Labcorp
Classification: Uncertain significance. Last evaluated: 2024-05-13. Review status: criteria provided, single submitter. Criteria: Invitae Variant Classification Sherloc (09022015). Collection method: clinical testing. Allele origin: germline.
Comment: This sequence change replaces isoleucine, which is neutral and non-polar, with threonine, which is neutral and polar, at codon 2298 of the VCAN protein (p.Ile2298Thr). This variant is not present in population databases (gnomAD no frequency). This variant has not been reported in the literature in individuals affected with VCAN-related conditions. Algorithms developed to predict the effect of missense changes on protein structure and function output the following: SIFT: "Not Available"; PolyPhen-2: "Benign"; Align-GVGD: "Not Available". The threonine amino acid residue is found in multiple mammalian species, which suggests that this missense change does not adversely affect protein function. In summary, the available evidence is currently insufficient to determine the role of this variant in disease. Therefore, it has been classified as a Variant of Uncertain Significance.

NM_004385.5(VCAN):c.6893T>C (p.Ile2298Thr)

Genes: VCAN (versican; plus strand), VCAN-AS1 (VCAN antisense RNA 1; minus strand). Cytogenetic location: 5q14.3.
Variant type: single nucleotide variant.
Coding change: c.6893T>C on transcript NM_004385.5 (MANE Select); coding-DNA position 6893, T replaced by C.
Protein change: p.Ile2298Thr; replaces isoleucine 2298 with threonine.
Molecular consequence: missense variant. On other transcripts: intron variant (2).
Genome position (GRCh38, 1-based): chr5:83,539,896, T>C. VCF-style: chr5-83539896-T-C. GRCh37 (hg19) VCF-style: chr5-82835715-T-C.
Other names: c.3932T>C, p.Ile1311Thr (NM_001164097.2); c.4004-5641T>C (NM_001164098.2); c.1043-5641T>C (NM_001126336.3); short protein forms I2298T, I1311T.
Identifiers: ClinVar variation 3010316 (VCV003010316.3), dbSNP rs2479115629, ClinGen allele CA360313570.